The following is an entry in ClinVar:

ClinVar aggregate classification (germline): Benign. Review status: criteria provided, multiple submitters, no conflicts (2 of 4 stars). 2 submissions from 2 submitters: Benign (2). Last evaluated 2018-06-15.

Allele frequency attached by ClinVar (database versions not stated): TOPMed 0.26386; gnomAD exomes 0.17746; ExAC 0.18423; 1000 Genomes Project 0.24261; gnomAD 0.25066 and 0.25693; 1000 Genomes Project 30x 0.25172; ESP Exome Variant Server 0.26177.
gnomAD v4.1: 289,963 of 1,597,850 alleles (18%); highest among the groups gnomAD compares: African/African-American, 49%; 31,021 homozygotes.

Submissions (2):

GeneDx
Classification: Benign. Last evaluated: 2018-06-15. Review status: criteria provided, single submitter. Criteria: GeneDx Variant Classification (06012015). Collection method: clinical testing. Allele origin: germline. Affected: yes.
Comment: This variant is considered likely benign or benign based on one or more of the following criteria: it is a conservative change, it occurs at a poorly conserved position in the protein, it is predicted to be benign by multiple in silico algorithms, and/or has population frequency not consistent with disease.

Breakthrough Genomics
Classification: Benign. Review status: criteria provided, single submitter. Criteria: ACMG Guidelines, 2015. Collection method: not provided. Allele origin: germline. Inheritance: Autosomal recessive inheritance. Affected: yes.

NM_006440.5(TXNRD2):c.949+300C>T

Gene: TXNRD2 (thioredoxin reductase 2; minus strand). Cytogenetic location: 22q11.21.
Variant type: single nucleotide variant.
Coding change: c.949+300C>T on transcript NM_006440.5 (MANE Select); 300 bases into the intron after coding-DNA position 949, C replaced by T.
Molecular consequence: intron variant. On other transcripts: 3 prime UTR variant (2).
Genome position (GRCh38, 1-based): chr22:19,895,107, G>A on the plus strand (C>T on the coding strand, the complement: TXNRD2 is on the minus strand). VCF-style: chr22-19895107-G-A. GRCh37 (hg19) VCF-style: chr22-19882630-G-A.
Other names: c.*26C>T (NM_001282512.3, NM_001352303.2); c.946+300C>T (NM_001352300.2); c.661+300C>T (NM_001352302.2); c.859+300C>T (NM_001352301.2).
Identifiers: ClinVar variation 678647 (VCV000678647.2), dbSNP rs5993856, ClinGen allele CA10103892.